The following is an entry in ClinVar:

NM_007294.4(BRCA1):c.5349G>A (p.Met1783Ile)

Gene: BRCA1 (BRCA1 DNA repair associated; minus strand). Cytogenetic location: 17q21.31.
Variant type: single nucleotide variant.
Coding change: c.5349G>A on transcript NM_007294.4 (MANE Select); coding-DNA position 5349, G replaced by A.
Protein change: p.Met1783Ile; replaces methionine 1783 with isoleucine.
Molecular consequence: missense variant. On other transcripts: non-coding transcript variant (1), intron variant (1).
Genome position (GRCh38, 1-based): chr17:43,049,178, C>T on the plus strand (G>A on the coding strand, the complement: BRCA1 is on the minus strand). VCF-style: chr17-43049178-C-T. GRCh37 (hg19) VCF-style: chr17-41201195-C-T.
Other names: c.1959G>A, p.Met653Ile (NM_001408415.1, NM_001408416.1, NM_001408412.1 and 2 more transcripts); c.5136G>A, p.Met1712Ile (NM_001407571.1, NM_001407897.1, NM_001407898.1 and 12 more transcripts); c.1923G>A, p.Met641Ile (NM_001408418.1, NM_001408419.1, NM_001408420.1); c.5415G>A, p.Met1805Ile (NM_001407581.1, NM_001407582.1); c.5412G>A, p.Met1804Ile (NM_001407583.1, NM_001407585.1, NM_001407587.1 and 1 more transcripts); c.1920G>A, p.Met640Ile (NM_001408421.1, NM_001408422.1, NM_001408423.1 and 1 more transcripts); c.5409G>A, p.Met1803Ile (NM_001407590.1, NM_001407591.1); c.1914G>A, p.Met638Ile (NM_001408435.1, NM_001408436.1, NM_001408437.1 and 10 more transcripts); and 73 more; short protein forms M1783I, M1804I, M1736I, M679I, M1629I, M1655I, M1656I, M1694I.
Identifiers: ClinVar variation 141796 (VCV000141796.19), dbSNP rs587782019, ClinGen allele CA003517.
Genomic context (GRCh38, chr17:43,049,178, plus strand): 5'-TACTGTGCCAAGGGTGAATGATGAAAGCTCCTTCACCACAGAAGCACCACACAGCTGTAC[C>T]ATCCATTCCAGTTGATCTAAAATGGACATTTAGATGTAAAATCACTGCAGTAATCTGCAT-3'
Protein context (NP_009225.1, residues 1773-1793): TNMPTDQLEW[Met1783Ile]VQLCGASVVK

ClinVar aggregate classification (germline): Conflicting classifications of pathogenicity. Review status: criteria provided, conflicting classifications (1 of 4 stars). 6 submissions from 6 submitters: Uncertain significance (4); Likely benign (2). Last evaluated 2024-04-12.

Conditions:
Hereditary cancer-predisposing syndrome. Also called: Tumor predisposition; Hereditary neoplastic syndrome; Hereditary Cancer Syndrome; Neoplastic Syndromes, Hereditary. Identifiers: Orphanet 140162, MedGen C0027672, MeSH D009386, MONDO:0015356.
Hereditary breast ovarian cancer syndrome. Also called: Hereditary breast and/or ovarian cancer syndrome; Breast and ovarian cancer; Hereditary breast and ovarian cancer syndrome; Hereditary breast and ovarian cancer; Hereditary breast and ovarian cancer syndrome (HBOC); BRCA1- and BRCA2-Associated Hereditary Breast and Ovarian Cancer. Identifiers: Orphanet 145, MedGen C0677776, MeSH D061325, MONDO:0003582. Disease mechanism: loss of function.
Breast-ovarian cancer, familial, susceptibility to, 1 (BROVCA1). Also called: BRCA1 Hereditary Breast and Ovarian Cancer; OVARIAN CANCER, SUSCEPTIBILITY TO. Identifiers: Orphanet 145, MedGen C2676676, MONDO:0011450, OMIM 604370. Disease mechanism: loss of function.

Allele frequency attached by ClinVar (database versions not stated): gnomAD exomes below 0.00001; gnomAD 0.00001.

Submissions (7):

Lupski Lab, Baylor-Hopkins CMG, Baylor College of Medicine
Classification: Likely benign for Breast-ovarian cancer, familial, susceptibility to, 1. Last evaluated: 2024-04-12. Review status: criteria provided, single submitter. Criteria: Dawood et al. (medRxiv. 2024). Collection method: curation. Allele origin: germline.
Comment: Each variant was annotated with functional scores from MAVE data which was translated into functional evidence codes. All other evidence codes and combining criteria were adhered to as closely as possible based on the ClinGen VCEP (Variant Curation Expert Panel) gene-specific recommendations. See Supplemental Figure 34 of final paper (Supp Fig. 28 in preprint: doi:10.1101/2024.04.11.24305690) for a table to see which lines of evidence we did not have data for. The ClinGen VCEPs are highly regarded as the gold-standard for gene-specific variant curation and are developed after extensive evaluation of the evidence by clinical and scientific experts for the particular gene to classify genomic variants on a spectrum from pathogenic to benign using the 2015 ACMG/AMP Variant Interpretation Guidelines as a backbone (PMID: 25741868). Reclassification of these VUS variants from gnomAD or All of Us focused only on variants originally prescribed as VUS in ClinVar. To ensure reproducibility, transparency, and increased throughput, all the procedures for annotating variants and assigning evidence codes were codified using Python. All code has been made freely available and is linked in the Code Availability section and all reclassified variants with evidence codes used can be found in Tables S18-19 (preprint: doi:10.1101/2024.04.11.24305690). For the MAVE data, the clinical curation and clinical strength assignment as per the ClinGen recommendations in Brnich et al. (2020) (PMID: 31892348) for or against pathogenicity or benignity of each of these MAVE datasets utilized in this study were previously published in Fayer et al. (2021) (PMID: 34793697).In brief, for BRCA1 variants, if a variant was categorized as FUNC (functional), it was assigned BS3 evidence and no PS3 evidence, whereas if it was categorized as LOF (loss of function), the variant was assigned PS3 evidence and no BS3 evidence. Variants categorized as INT (intermediate) were left unannotated. For the BRCA1 combining criteria, greater than or equal to 1 criteria of strong benign evidence was enough to reclassify the VUS as Likely Benign. This variant GRCh38:17:43049178:C>T was assigned evidence codes ['BS3', 'BP4'] and an overall classification of Likely benign

Labcorp Genetics (formerly Invitae), Labcorp
Classification: Uncertain significance for Hereditary breast ovarian cancer syndrome. Last evaluated: 2023-11-09. Review status: criteria provided, single submitter. Criteria: Invitae Variant Classification Sherloc (09022015). Collection method: clinical testing. Allele origin: germline.
Comment: This sequence change replaces methionine, which is neutral and non-polar, with isoleucine, which is neutral and non-polar, at codon 1783 of the BRCA1 protein (p.Met1783Ile). This variant is not present in population databases (gnomAD no frequency). This variant has not been reported in the literature in individuals affected with BRCA1-related conditions. ClinVar contains an entry for this variant (Variation ID: 141796). Advanced modeling performed at Invitae incorporating data from internal and/or published experimental studies (PMID: 30209399) indicates that this missense variant is not expected to disrupt BRCA1 function with a negative predictive value of 95%. Experimental studies have shown that this missense change does not substantially affect BRCA1 function (PMID: 20516115, 30209399, 30765603). In summary, the available evidence is currently insufficient to determine the role of this variant in disease. Therefore, it has been classified as a Variant of Uncertain Significance.

Baylor Genetics
Classification: Uncertain significance for Breast-ovarian cancer, familial, susceptibility to, 1. Last evaluated: 2023-09-07. Review status: criteria provided, single submitter. Criteria: ACMG Guidelines, 2015. Collection method: clinical testing. Allele origin: unknown.

Quest Diagnostics Nichols Institute San Juan Capistrano
Classification: Uncertain significance. Last evaluated: 2023-01-17. Review status: criteria provided, single submitter. Criteria: Quest Diagnostics criteria. Collection method: clinical testing. Allele origin: unknown.
Comment: The frequency of this variant in the general population, 0.0000066 (1/152148 chromosomes), is uninformative in assessment of its pathogenicity. In the published literature, the variant was reported in a family affected with breast and ovarian cancer (PMID: 11410501 (2001)). Functional studies have shown the variant to have no protein folding defect, normal peptide binding activity and specificity, and normal transcriptional activity (PMID: 20516115 (2010), 24845084 (2014), 28781887 (2016), 29884841 (2019), 30209399 (2018)). Based on the available information, we are unable to determine the clinical significance of this variant.

Ambry Genetics
Classification: Likely benign for Hereditary cancer-predisposing syndrome. Last evaluated: 2021-05-18. Review status: criteria provided, single submitter. Criteria: Ambry Variant Classification Scheme 2023. Collection method: clinical testing. Allele origin: germline.

Women's Health and Genetics/Laboratory Corporation of America, LabCorp
Classification: Uncertain significance. Last evaluated: 2017-02-27. Review status: criteria provided, single submitter. Criteria: LabCorp Variant Classification Summary - May 2015. Collection method: clinical testing. Allele origin: germline.
Comment: Variant summary: The BRCA1 c.5349G>A (p.Met1783Ile) causes a missense change involving the alteration of a non-conserved nucleotide. 2/4 in silico tools predict a benign outcome for this variant (SNPs&GO not captured due to low reliability index). This variant is absent in 121,174 control chromosomes. The variant has been reported in one affected proband in the literature, along with a likely pathogenic variant that co-segregated with disease in the family, while the variant of interest was absent in two affected individuals (Ricevuto_2001). In functional studies, the variant showed comparable activity to wild-type BRCA1 (Lee_2010). One reputable clinical lab has classified the variant as a variant of uncertain significance. Taken together, this variant has been classified as a VUS-possibly benign.

Brotman Baty Institute, University of Washington
No classification provided (evidence only). Condition: Breast-ovarian cancer, familial 1. Review status: no classification provided. Collection method: in vitro. Allele origin: not applicable. Functional consequence: functionally_normal. Not counted in ClinVar's aggregate classification.
ClinVar note: "not provided" was previously submitted as the classification for the variant. However, the classification appeared to be based only on an observation of functional data so it was converted to no classification on 2025-07-30.

Literature cited by the submitters: PubMed 39142283 (cited by Lupski Lab, Baylor-Hopkins CMG, Baylor College of Medicine); PubMed 34793697 (cited by Lupski Lab, Baylor-Hopkins CMG, Baylor College of Medicine and Quest Diagnostics Nichols Institute San Juan Capistrano); DOI 10.1101/2024.04.11.24305690 (cited by Lupski Lab, Baylor-Hopkins CMG, Baylor College of Medicine); PubMed 30209399 (cited by 3 submitters); PubMed 20516115 (cited by 3 submitters); PubMed 30765603 (cited by Labcorp Genetics (formerly Invitae), Labcorp); PubMed 25748678 (cited by Quest Diagnostics Nichols Institute San Juan Capistrano and Women's Health and Genetics/Laboratory Corporation of America, LabCorp); PubMed 34235180 (cited by Quest Diagnostics Nichols Institute San Juan Capistrano); PubMed 29884841 (cited by Quest Diagnostics Nichols Institute San Juan Capistrano); PubMed 31853058 (cited by Quest Diagnostics Nichols Institute San Juan Capistrano); PubMed 33087888 (cited by Quest Diagnostics Nichols Institute San Juan Capistrano); PubMed 32257056 (cited by Quest Diagnostics Nichols Institute San Juan Capistrano); PubMed 31911673 (cited by Quest Diagnostics Nichols Institute San Juan Capistrano); PubMed 24845084 (cited by Quest Diagnostics Nichols Institute San Juan Capistrano); PubMed 28781887 (cited by Quest Diagnostics Nichols Institute San Juan Capistrano); PubMed 35665744 (cited by Quest Diagnostics Nichols Institute San Juan Capistrano); PubMed 11410501 (cited by Quest Diagnostics Nichols Institute San Juan Capistrano and Women's Health and Genetics/Laboratory Corporation of America, LabCorp).